The following is an entry in ClinVar:

ClinVar aggregate classification (germline): Uncertain significance (1 of 4 stars; one submission).

Conditions:
Hereditary nonpolyposis colorectal neoplasms. Identifiers: MedGen C0009405, MeSH D003123.

Submission:

Labcorp Genetics (formerly Invitae), Labcorp
Classification: Uncertain significance for Hereditary nonpolyposis colorectal neoplasms. Last evaluated: 2024-04-17. Review status: criteria provided, single submitter. Criteria: Invitae Variant Classification Sherloc (09022015). Collection method: clinical testing. Allele origin: germline.
Comment: This sequence change replaces proline, which is neutral and non-polar, with threonine, which is neutral and polar, at codon 57 of the MSH6 protein (p.Pro57Thr). This variant is not present in population databases (gnomAD no frequency). This variant has not been reported in the literature in individuals affected with MSH6-related conditions. Advanced modeling of protein sequence and biophysical properties (such as structural, functional, and spatial information, amino acid conservation, physicochemical variation, residue mobility, and thermodynamic stability) performed at Invitae indicates that this missense variant is not expected to disrupt MSH6 protein function with a negative predictive value of 95%. In summary, the available evidence is currently insufficient to determine the role of this variant in disease. Therefore, it has been classified as a Variant of Uncertain Significance.

NM_000179.3(MSH6):c.169C>A (p.Pro57Thr)

Gene: MSH6 (mutS homolog 6; plus strand). Cytogenetic location: 2p16.3.
Variant type: single nucleotide variant.
Coding change: c.169C>A on transcript NM_000179.3 (MANE Select); coding-DNA position 169, C replaced by A.
Protein change: p.Pro57Thr; replaces proline 57 with threonine.
Molecular consequence: missense variant. On other transcripts: 5 prime UTR variant (7), non-coding transcript variant (5), intron variant (5), synonymous variant (1).
Genome position (GRCh38, 1-based): chr2:47,783,402, C>A. VCF-style: chr2-47783402-C-A. GRCh37 (hg19) VCF-style: chr2-48010541-C-A.
Other names: c.169C>A, p.Pro57Thr (NM_001406813.1, NM_001406817.1, NM_001407362.1 and 9 more transcripts); c.-826C>A (NM_001406814.1); c.-371C>A (NM_001406816.1); c.-38+171C>A (NM_001406805.1, NM_001406797.1, NM_001406801.1); c.-69+171C>A (NM_001406806.1); c.-280+171C>A (NM_001406815.1); c.-568C>A (NM_001281493.2, NM_001406811.1); c.-160C>A (NM_001406799.1); and 3 more; short protein forms P57T.
Identifiers: ClinVar variation 2876835 (VCV002876835.3), dbSNP rs773367009, ClinGen allele CA346734990.
Genomic context (GRCh38, chr2:47,783,402, plus strand): 5'-GCCCCCGGGGCCTCTCCTTCCCCAGGCGGGGATGCGGCCTGGAGCGAGGCTGGGCCTGGG[C>A]CCAGGCCCTTGGCGCGCTCCGCGTCACCGCCCAAGGCGAAGAACCTCAACGGAGGGCTGC-3'
Protein context (NP_000170.1, residues 47-67): DAAWSEAGPG[Pro57Thr]RPLARSASPP